The following is an entry in ClinVar:

ClinVar aggregate classification (germline): Uncertain significance (1 of 4 stars; one submission).

Submission:

Women's Health and Genetics/Laboratory Corporation of America, LabCorp
Classification: Uncertain significance. Last evaluated: 2025-12-29. Review status: criteria provided, single submitter. Criteria: LabCorp Variant Classification Summary - May 2015. Collection method: clinical testing. Allele origin: germline.
Comment: Variant summary: MAF c.574C>T (p.His192Tyr) results in a conservative amino acid change in the encoded protein sequence. Algorithms developed to predict the effect of missense changes on protein structure and function are either unavailable or do not agree on the potential impact of this missense change. The variant was absent in 24008 control chromosomes. The available data on variant occurrences in the general population are insufficient to allow any conclusion about variant significance. To our knowledge, no occurrence of c.574C>T in individuals affected with MAF-related conditions and no experimental evidence demonstrating its impact on protein function have been reported. No submitters have cited clinical-significance assessments for this variant to ClinVar. Based on the evidence outlined above, the variant was classified as uncertain significance.

NM_005360.5(MAF):c.574C>T (p.His192Tyr)

Gene: MAF (MAF bZIP transcription factor; minus strand). Cytogenetic location: 16q23.2.
Variant type: single nucleotide variant.
Coding change: c.574C>T on transcript NM_005360.5 (MANE Select); coding-DNA position 574, C replaced by T.
Protein change: p.His192Tyr; replaces histidine 192 with tyrosine.
Molecular consequence: missense variant.
Genome position (GRCh38, 1-based): chr16:79,599,329, G>A on the plus strand (C>T on the coding strand, the complement: MAF is on the minus strand). VCF-style: chr16-79599329-G-A. GRCh37 (hg19) VCF-style: chr16-79633226-G-A.
Other names: c.574C>T, p.His192Tyr (NM_001031804.3); short protein forms H192Y.
Identifiers: ClinVar variation 4688747 (VCV004688747.1).